The following is an entry in ClinVar:

NM_000159.4(GCDH):c.260A>G (p.Asn87Ser)

Gene: GCDH (glutaryl-CoA dehydrogenase; plus strand). Cytogenetic location: 19p13.13.
Variant type: single nucleotide variant.
Coding change: c.260A>G on transcript NM_000159.4 (MANE Select); coding-DNA position 260, A replaced by G.
Protein change: p.Asn87Ser; replaces asparagine 87 with serine.
Molecular consequence: missense variant. On other transcripts: non-coding transcript variant (2).
Genome position (GRCh38, 1-based): chr19:12,891,963, A>G. VCF-style: chr19-12891963-A-G. GRCh37 (hg19) VCF-style: chr19-13002777-A-G.
Other names: c.260A>G, p.Asn87Ser (NM_013976.5); short protein forms N87S.
Identifiers: ClinVar variation 1793765 (VCV001793765.2), dbSNP rs1477622762, ClinGen allele CA404315528.

ClinVar aggregate classification (germline): Uncertain significance (1 of 4 stars; one submission).

Conditions:
Inborn genetic diseases. Identifiers: MedGen C0950123, MeSH D030342.

Allele frequency attached by ClinVar (database versions not stated): TOPMed 0.00002.

Submission:

Ambry Genetics
Classification: Uncertain significance for Inborn genetic diseases. Last evaluated: 2022-07-23. Review status: criteria provided, single submitter. Criteria: Ambry Variant Classification Scheme 2023. Collection method: clinical testing. Allele origin: germline.
Comment: The p.N87S variant (also known as c.260A>G), located in coding exon 3 of the GCDH gene, results from an A to G substitution at nucleotide position 260. The asparagine at codon 87 is replaced by serine, an amino acid with highly similar properties. This amino acid position is conserved. In addition, the in silico prediction for this alteration is inconclusive. Since supporting evidence is limited at this time, the clinical significance of this alteration remains unclear.